The following is an entry in ClinVar:

NM_031263.4(HNRNPK):c.998dup (p.Tyr333Ter)

Gene: HNRNPK (heterogeneous nuclear ribonucleoprotein K; minus strand). Cytogenetic location: 9q21.32.
Variant type: Duplication.
Coding change: c.998dup on transcript NM_031263.4 (MANE Select); coding-DNA position 998, one base duplicated (A; older notation c.998dupA).
Protein change: p.Tyr333Ter; replaces tyrosine 333 with a stop codon.
Molecular consequence: nonsense.
Genome position (GRCh38, 1-based): chr9:83,971,682, T duplicated on the plus strand (A on the coding strand, the reverse complement: HNRNPK is on the minus strand). VCF-style (leftmost placement, unchanged base first): chr9-83971681-G-GT. GRCh37 (hg19) VCF-style: chr9-86586596-G-GT.
Other names: c.998dupA (NM_002140.4); c.926dup, p.Tyr309Ter (NM_001318186.2, NM_001318187.2); c.998dup, p.Tyr333Ter (NM_001318188.2, NM_002140.5, NM_031262.4); short protein forms Y309*, Y333*.
Identifiers: ClinVar variation 503601 (VCV000503601.10), dbSNP rs1554698681, ClinGen allele CA658797217.

ClinVar aggregate classification (germline): Pathogenic. Review status: criteria provided, multiple submitters, no conflicts (2 of 4 stars). 4 submissions from 4 submitters: Pathogenic (2). 2 of the submissions do not count toward it. Last evaluated 2018-01-07.

Conditions:
Au-Kline syndrome. Also called: Neurodevelopmental disorder-craniofacial dysmorphism-cardiac defect-hip dysplasia syndrome due to a point mutation; Okamoto syndrome. Identifiers: Orphanet 2729, Orphanet 453499, Orphanet 453504, MedGen C4225274, MONDO:0014700, OMIM 616580.

Submissions (4):

Clinical Genetics Research Group, University of Calgary
Classification: Pathogenic for AU-KLINE SYNDROME. Last evaluated: 2018-01-07. Review status: criteria provided, single submitter. Criteria: ACMG Guidelines, 2015. Collection method: clinical testing. Allele origin: de novo. Affected: yes. Observed: 1 variant allele.

Institute for Genomic Medicine (IGM) Clinical Laboratory, Nationwide Children's Hospital
Classification: Pathogenic for Au-Kline syndrome. Last evaluated: 2017-11-14. Review status: criteria provided, single submitter. Criteria: ACMG Guidelines, 2015. Collection method: clinical testing. Allele origin: germline. Affected: yes.
Comment: [ACMG/AMP: PVS1, PS2, PM2, PP5] This alteration is a null variant in a gene where LOF is a known mechanism of disease [PVS1], is de novo in origin as it was not detected in the submitted parental specimens (identity confirmed) [PS2], is absent from or rarely observed in large-scale population databases [PM2], was reported as a pathogenic/likely pathogenic alteration by a reputable source (ClinVar or other correspondence from a clinical testing laboratory) [PP5].

OMIM
Classification: Pathogenic for AU-KLINE SYNDROME. Last evaluated: 2025-11-04. Review status: no assertion criteria provided. Collection method: literature only. Allele origin: germline. Not counted in ClinVar's aggregate classification.

GeneReviews
No classification provided. Condition: Au-Kline syndrome. Review status: no classification provided. Collection method: literature only. Allele origin: germline. Not counted in ClinVar's aggregate classification.

Literature cited by the submitters: PubMed 28374925 (cited by OMIM and GeneReviews); PubMed 30998304 (cited by GeneReviews).